The following is an entry in ClinVar:

ClinVar aggregate classification (germline): Conflicting classifications of pathogenicity. Review status: criteria provided, conflicting classifications (1 of 4 stars). 10 submissions from 10 submitters: Uncertain significance (8); Likely benign (2). Last evaluated 2026-01-26.

Conditions:
COL3A1-related disorder. Also called: COL3A1-related condition.
Polymicrogyria with or without vascular-type Ehlers-Danlos syndrome. Identifiers: Orphanet 636941, MedGen C5193040, MONDO:0032688, OMIM 618343.
Ehlers-Danlos syndrome, type 4 (EDSVASC). Also called: Ehlers-Danlos syndrome vascular type; Ehlers Danlos syndrome, ecchymotic type; Ehlers Danlos syndrome, arterial type; Ehlers Danlos syndrome, Sack-Barabas type; Ehlers-Danlos Syndrome Type IV. Identifiers: Orphanet 286, MedGen C0268338, MONDO:0017314, OMIM 130050.
Familial thoracic aortic aneurysm and aortic dissection (TAAD). Also called: Thoracic aortic aneurysms and dissections. Identifiers: Orphanet 91387, MedGen C4707243, MONDO:0019625.

Allele frequency attached by ClinVar (database versions not stated): ExAC 0.00003; gnomAD 0.00007; gnomAD exomes 0.00007; TOPMed 0.00010.
gnomAD v4.1: 103 of 1,612,870 alleles (0.0064%); highest among the groups gnomAD compares: Admixed American, 0.017%; no homozygotes.

Submissions (10):

Labcorp Genetics (formerly Invitae), Labcorp
Classification: Uncertain significance for Ehlers-Danlos syndrome, type 4. Last evaluated: 2026-01-26. Review status: criteria provided, single submitter. Criteria: Invitae Variant Classification Sherloc (09022015). Collection method: clinical testing. Allele origin: germline.
Comment: This sequence change replaces tyrosine, which is neutral and polar, with asparagine, which is neutral and polar, at codon 158 of the COL3A1 protein (p.Tyr158Asn). This variant is present in population databases (rs756125442, gnomAD 0.02%). This variant has not been reported in the literature in individuals affected with COL3A1-related conditions. ClinVar contains an entry for this variant (Variation ID: 449237). Invitae Evidence Modeling of protein sequence and biophysical properties (such as structural, functional, and spatial information, amino acid conservation, physicochemical variation, residue mobility, and thermodynamic stability) has been performed for this missense variant. However, the output from this modeling did not meet the statistical confidence thresholds required to predict the impact of this variant on COL3A1 protein function. In summary, the available evidence is currently insufficient to determine the role of this variant in disease. Therefore, it has been classified as a Variant of Uncertain Significance.

GeneDx
Classification: Uncertain significance. Last evaluated: 2025-12-02. Review status: criteria provided, single submitter. Criteria: GeneDx Variant Classification Process June 2021. Collection method: clinical testing. Allele origin: germline. Affected: yes.
Comment: Has not been previously published as pathogenic or benign to our knowledge; In silico analysis suggests that this missense variant does not alter protein structure/function

Mayo Clinic Laboratories, Mayo Clinic
Classification: Uncertain significance. Last evaluated: 2025-08-27. Review status: criteria provided, single submitter. Criteria: ACMG Guidelines, 2015. Collection method: clinical testing. Allele origin: germline. Observed: 1 variant allele.

Ambry Genetics
Classification: Likely benign for Familial thoracic aortic aneurysm and aortic dissection. Last evaluated: 2025-04-23. Review status: criteria provided, single submitter. Criteria: Ambry Variant Classification Scheme 2023. Collection method: clinical testing. Allele origin: germline.

Women's Health and Genetics/Laboratory Corporation of America, LabCorp
Classification: Uncertain significance. Last evaluated: 2025-04-18. Review status: criteria provided, single submitter. Criteria: LabCorp Variant Classification Summary - May 2015. Collection method: clinical testing. Allele origin: germline.
Comment: Variant summary: COL3A1 c.472T>A (p.Tyr158Asn) results in a non-conservative amino acid change in the encoded protein sequence. Five of five in-silico tools predict a damaging effect of the variant on protein function. The variant allele was found at a frequency of 6.8e-05 in 251012 control chromosomes. This frequency is not significantly higher than estimated for a pathogenic variant in COL3A1 causing Polymicrogyria with or without vascular-type Ehlers-Danlos syndrome, allowing no conclusion about variant significance. To our knowledge, no occurrence of c.472T>A in individuals affected with Polymicrogyria with or without vascular-type Ehlers-Danlos syndrome and no experimental evidence demonstrating its impact on protein function have been reported. ClinVar contains an entry for this variant (Variation ID: 449237). Based on the evidence outlined above, the variant was classified as uncertain significance.

Color Diagnostics, LLC DBA Color Health
Classification: Uncertain significance for Familial thoracic aortic aneurysm and aortic dissection. Last evaluated: 2025-03-24. Review status: criteria provided, single submitter. Criteria: ACMG Guidelines, 2015. Collection method: clinical testing. Allele origin: germline.
Comment: This missense variant replaces tyrosine with asparagine at codon 158 of the COL3A1 protein. Computational prediction tool indicates that this variant may have an uncertain impact on protein structure and function. To our knowledge, functional studies have not been reported for this variant. This variant has not been reported in individuals affected with COL3A1-related disorders in the literature. This variant has been identified in 20/282406 chromosomes in the general population by the Genome Aggregation Database (gnomAD). The available evidence is insufficient to determine the role of this variant in disease conclusively. Therefore, this variant is classified as a Variant of Uncertain Significance.

All of Us Research Program, National Institutes of Health
Classification: Uncertain significance for Ehlers-Danlos syndrome, type 4. Last evaluated: 2024-08-29. Review status: criteria provided, single submitter. Criteria: ACMG Guidelines, 2015. Collection method: clinical testing. Allele origin: germline. Inheritance: Autosomal dominant inheritance. Observed: 9 variant alleles, 9 heterozygotes.
Comment: This missense variant replaces tyrosine with asparagine at codon 158 of the COL3A1 protein. Computational prediction is inconclusive regarding the impact of this variant on protein structure and function (internally defined REVEL score threshold 0.5 < inconclusive < 0.7, PMID: 27666373). To our knowledge, functional studies have not been reported for this variant. This variant has not been reported in individuals affected with cardiovascular disorders in the literature. This variant has been identified in 20/282406 chromosomes in the general population by the Genome Aggregation Database (gnomAD). The available evidence is insufficient to determine the role of this variant in disease conclusively. Therefore, this variant is classified as a Variant of Uncertain Significance.

This study involves interpretation of variants in research participants for the purpose of population health screening. Participant phenotype was not available at the time of variant classification. Additional details can be found in publication PMID: 35346344, PMCID: PMC8962531

Blueprint Genetics
Classification: Likely benign. Last evaluated: 2024-04-29. Review status: criteria provided, single submitter. Criteria: ACMG Guidelines, 2015. Collection method: clinical testing. Allele origin: germline.

PreventionGenetics, part of Exact Sciences
Classification: Uncertain significance for COL3A1-related condition. Last evaluated: 2023-08-09. Review status: criteria provided, single submitter. Criteria: ACMG Guidelines, 2015. Collection method: clinical testing. Allele origin: germline.
Comment: The COL3A1 c.472T>A variant is predicted to result in the amino acid substitution p.Tyr158Asn. To our knowledge, this variant has not been reported in the literature. This variant is reported in 0.020% of alleles in individuals of Latino descent in gnomAD, which may be too common to be causative of autosomal dominant disease. At this time, the clinical significance of this variant is uncertain due to the absence of conclusive functional and genetic evidence.

CHEO Genetics Diagnostic Laboratory, Children's Hospital of Eastern Ontario
Classification: Uncertain significance for Familial thoracic aortic aneurysm and aortic dissection. Last evaluated: 2016-02-08. Review status: criteria provided, single submitter. Criteria: ACMG Guidelines, 2015. Collection method: clinical testing. Allele origin: germline. Study: Canadian Open Genetics Repository.

NM_000090.4(COL3A1):c.472T>A (p.Tyr158Asn)

Gene: COL3A1 (collagen type III alpha 1 chain; plus strand). Cytogenetic location: 2q32.2.
Variant type: single nucleotide variant.
Coding change: c.472T>A on transcript NM_000090.4 (MANE Select); coding-DNA position 472, T replaced by A.
Protein change: p.Tyr158Asn; replaces tyrosine 158 with asparagine.
Molecular consequence: missense variant.
Genome position (GRCh38, 1-based): chr2:188,987,083, T>A. VCF-style: chr2-188987083-T-A. GRCh37 (hg19) VCF-style: chr2-189851809-T-A.
Other names: p.Tyr158Asn; short protein forms Y158N.
Identifiers: ClinVar variation 449237 (VCV000449237.30), dbSNP rs756125442, ClinGen allele CA076639.
Genomic context (GRCh38, chr2:188,987,083, plus strand): 5'-TTAAAATGATCATATCTATTTGTCTCCTTGCCACAGAACTATTCTCCCCAGTATGATTCA[T>A]ATGATGTCAAGTCTGGAGTAGCAGTAGGAGGACTCGCAGGCTATCCTGGACCAGCTGTAC-3'
Protein context (NP_000081.2, residues 148-168): PQNYSPQYDS[Tyr158Asn]DVKSGVAVGG